The following is an entry in ClinVar:

NM_006306.4(SMC1A):c.1872T>G (p.Asp624Glu)

Gene: SMC1A (structural maintenance of chromosomes 1A; minus strand). Cytogenetic location: Xp11.22.
Variant type: single nucleotide variant.
Coding change: c.1872T>G on transcript NM_006306.4 (MANE Select); coding-DNA position 1872, T replaced by G.
Protein change: p.Asp624Glu; replaces aspartic acid 624 with glutamic acid.
Molecular consequence: missense variant.
Genome position (GRCh38, 1-based): chrX:53,405,532, A>C on the plus strand (T>G on the coding strand, the complement: SMC1A is on the minus strand). VCF-style: chrX-53405532-A-C. GRCh37 (hg19) VCF-style: chrX-53432464-A-C.
Other names: c.1806T>G, p.Asp602Glu (NM_001281463.1); short protein forms D624E, D602E.
Identifiers: ClinVar variation 662126 (VCV000662126.49), dbSNP rs1369059288, ClinGen allele CA413252806.

ClinVar aggregate classification (germline): Uncertain significance. Review status: criteria provided, multiple submitters, no conflicts (2 of 4 stars). 2 submissions from 2 submitters: Uncertain significance (2). Last evaluated 2018-10-20.

Conditions:
Congenital muscular hypertrophy-cerebral syndrome (CDLS2). Also called: Cornelia de Lange syndrome 2; SMC1A-Related Cornelia de Lange Syndrome. Identifiers: Orphanet 199, MedGen C1802395, MONDO:0010370, OMIM 300590.

Allele frequency attached by ClinVar (database versions not stated): TOPMed below 0.00001; gnomAD 0.00001.
gnomAD v4.1: 1 of 1,210,818 alleles (0.000083%); highest among the groups gnomAD compares: Non-Finnish European, 0.00011%; no homozygotes.

Submissions (2):

Labcorp Genetics (formerly Invitae), Labcorp
Classification: Uncertain significance for Congenital muscular hypertrophy-cerebral syndrome. Last evaluated: 2018-10-20. Review status: criteria provided, single submitter. Criteria: Invitae Variant Classification Sherloc (09022015). Collection method: clinical testing. Allele origin: germline.
Comment: In summary, the available evidence is currently insufficient to determine the role of this variant in disease. Therefore, it has been classified as a Variant of Uncertain Significance. Algorithms developed to predict the effect of missense changes on protein structure and function (SIFT, PolyPhen-2, Align-GVGD) all suggest that this variant is likely to be tolerated, but these predictions have not been confirmed by published functional studies and their clinical significance is uncertain. This variant has not been reported in the literature in individuals with SMC1A-related disease. This variant is not present in population databases (ExAC no frequency). This sequence change replaces aspartic acid with glutamic acid at codon 624 of the SMC1A protein (p.Asp624Glu). The aspartic acid residue is highly conserved and there is a small physicochemical difference between aspartic acid and glutamic acid.

CeGaT Center for Human Genetics Tuebingen
Classification: Uncertain significance. Last evaluated: 2018-08-01. Review status: criteria provided, single submitter. Criteria: CeGaT Center For Human Genetics Tuebingen Variant Classification Criteria Version 2. Collection method: clinical testing. Allele origin: germline. Affected: yes. Observed: 1 variant allele.